The following is an entry in ClinVar:

ClinVar aggregate classification (germline): Likely benign (1 of 4 stars; one submission).

Allele frequency attached by ClinVar (database versions not stated): gnomAD exomes 0.00101; gnomAD 0.00938 and 0.00991; 1000 Genomes Project 0.01018; TOPMed 0.01073; 1000 Genomes Project 30x 0.01140.
gnomAD v4.1: 2,179 of 845,524 alleles (0.26%); highest among the groups gnomAD compares: African/African-American, 3.2%; 24 homozygotes.

Submission:

GeneDx
Classification: Likely benign. Last evaluated: 2018-06-16. Review status: criteria provided, single submitter. Criteria: GeneDx Variant Classification (06012015). Collection method: clinical testing. Allele origin: germline. Affected: yes.
Comment: This variant is considered likely benign or benign based on one or more of the following criteria: it is a conservative change, it occurs at a poorly conserved position in the protein, it is predicted to be benign by multiple in silico algorithms, and/or has population frequency not consistent with disease.

NM_003978.5(PSTPIP1):c.517-149G>T

Gene: PSTPIP1 (proline-serine-threonine phosphatase interacting protein 1; plus strand). Cytogenetic location: 15q24.3.
Variant type: single nucleotide variant.
Coding change: c.517-149G>T on transcript NM_003978.5 (MANE Select); 149 bases into the intron before coding-DNA position 517, G replaced by T.
Molecular consequence: intron variant.
Genome position (GRCh38, 1-based): chr15:77,029,380, G>T. VCF-style: chr15-77029380-G-T. GRCh37 (hg19) VCF-style: chr15-77321721-G-T.
Other names: c.712-149G>T (NM_001321137.1); c.490-149G>T (NM_001321136.2); c.517-149G>T (NM_001321135.2).
Identifiers: ClinVar variation 676043 (VCV000676043.1), dbSNP rs115670384, ClinGen allele CA273756385.